The following is an entry in ClinVar:

NM_001267550.2(TTN):c.66876G>T (p.Lys22292Asn)

Genes: TTN (titin; minus strand), TTN-AS1 (TTN antisense RNA 1; plus strand). Cytogenetic location: 2q31.2.
Variant type: single nucleotide variant.
Coding change: c.66876G>T on transcript NM_001267550.2 (MANE Select); coding-DNA position 66876, G replaced by T.
Protein change: p.Lys22292Asn; replaces lysine 22292 with asparagine.
Molecular consequence: missense variant.
Genome position (GRCh38, 1-based): chr2:178,580,503, C>A on the plus strand (G>T on the coding strand, the complement: TTN is on the minus strand). VCF-style: chr2-178580503-C-A. GRCh37 (hg19) VCF-style: chr2-179445230-C-A.
Other names: c.61953G>T, p.Lys20651Asn (NM_001256850.1); c.39681G>T, p.Lys13227Asn (NM_003319.4); c.59172G>T, p.Lys19724Asn (NM_133378.4); c.40056G>T, p.Lys13352Asn (NM_133432.3); c.40257G>T, p.Lys13419Asn (NM_133437.4); short protein forms K19724N, K13419N, K13352N, K13227N, K20651N, K22292N.
Identifiers: ClinVar variation 682591 (VCV000682591.1), dbSNP rs1575893065, ClinGen allele CA349425612.
Genomic context (GRCh38, chr2:178,580,503, plus strand): 5'-TGACTTTATGTCCAGTCCAATCCTGTCTCTTAGATTGACATTTGGTTTAGACCAAGTAAT[C>A]TTTGGAGGTGGGCGTCCTTTTACTGGTACATATAGTCTCATAGTAACTCCAGCACGTAAT-3'
Protein context (NP_001254479.2, residues 22282-22302): YVPVKGRPPP[Lys22292Asn]ITWSKPNVNL

ClinVar aggregate classification (germline): Likely benign (1 of 4 stars; one submission).

Submission:

GeneDx
Classification: Likely benign. Last evaluated: 2018-05-03. Review status: criteria provided, single submitter. Criteria: GeneDx Variant Classification (06012015). Collection method: clinical testing. Allele origin: germline. Affected: yes.
Comment: This variant is considered likely benign or benign based on one or more of the following criteria: it is a conservative change, it occurs at a poorly conserved position in the protein, it is predicted to be benign by multiple in silico algorithms, and/or has population frequency not consistent with disease.